The following is an entry in ClinVar:

NM_031433.4(MFRP):c.102C>A (p.Cys34Ter)

Genes: C1QTNF5 (C1q and TNF related 5; minus strand), MFRP (membrane frizzled-related protein; minus strand). Cytogenetic location: 11q23.3.
Variant type: single nucleotide variant.
Coding change: c.102C>A on transcript NM_031433.4 (MANE Select); coding-DNA position 102, C replaced by A.
Protein change: p.Cys34Ter; replaces cysteine 34 with a stop codon.
Molecular consequence: nonsense. On other transcripts: 5 prime UTR variant (1).
Genome position (GRCh38, 1-based): chr11:119,346,327, G>T on the plus strand (C>A on the coding strand, the complement: MFRP is on the minus strand). VCF-style: chr11-119346327-G-T. GRCh37 (hg19) VCF-style: chr11-119217037-G-T.
Other names: c.-2535C>A (NM_015645.5); short protein forms C34*.
Identifiers: ClinVar variation 1359963 (VCV001359963.7), dbSNP rs1033747538, ClinGen allele CA229678545.
Genomic context (GRCh38, chr11:119,346,327, plus strand): 5'-GTTACCATGCCAGGGAGCTGGGACGCTGTAGCTGGCATCCTCTGGGAAAACTGGGGGAGG[G>T]CAGGGTGGCCCAGACTCAGGCTCGAAGGCAGGATTGCAGAACTCGGTCTGGAAGGGGGAG-3'

ClinVar aggregate classification (germline): Pathogenic/Likely pathogenic. Review status: criteria provided, multiple submitters, no conflicts (2 of 4 stars). 2 submissions from 2 submitters: Pathogenic (1); Likely pathogenic (1). Last evaluated 2022-08-22.

Conditions:
MFRP-related disorder. Also called: MFRP-related condition; MFRP-related disorders.
Isolated microphthalmia 5. Also called: Posterior Microphthalmia with Retinitis Pigmentosa, Foveoschisis, and Optic Disc Drusen. Identifiers: Orphanet 251279, MedGen C1970236, MONDO:0012605, OMIM 611040.

Allele frequency attached by ClinVar (database versions not stated): TOPMed below 0.00001; gnomAD 0.00001.
gnomAD v4.1: 2 of 1,613,914 alleles (0.00012%); highest among the groups gnomAD compares: Non-Finnish European, 0.00017%; no homozygotes.

Submissions (2):

Labcorp Genetics (formerly Invitae), Labcorp
Classification: Pathogenic for Isolated microphthalmia 5. Last evaluated: 2022-08-22. Review status: criteria provided, single submitter. Criteria: Invitae Variant Classification Sherloc (09022015). Collection method: clinical testing. Allele origin: germline.
Comment: For these reasons, this variant has been classified as Pathogenic. ClinVar contains an entry for this variant (Variation ID: 1359963). This variant has not been reported in the literature in individuals affected with MFRP-related conditions. This variant is not present in population databases (gnomAD no frequency). This sequence change creates a premature translational stop signal (p.Cys34*) in the MFRP gene. It is expected to result in an absent or disrupted protein product. Loss-of-function variants in MFRP are known to be pathogenic (PMID: 12140190, 15976030, 20361016).

Blueprint Genetics
Classification: Likely pathogenic for MFRP-related disorders. Last evaluated: 2020-12-09. Review status: criteria provided, single submitter. Criteria: ACMG Guidelines, 2015. Collection method: clinical testing. Allele origin: germline. Affected: yes. Observed: 1 variant allele.

Literature cited by the submitters: PubMed 12140190 (cited by Labcorp Genetics (formerly Invitae), Labcorp); PubMed 15976030 (cited by Labcorp Genetics (formerly Invitae), Labcorp); PubMed 20361016 (cited by Labcorp Genetics (formerly Invitae), Labcorp).